The following is an entry in ClinVar:

NM_000049.4(ASPA):c.19_20delinsTGTATA (p.Ala7fs)

Genes: ASPA (aspartoacylase; plus strand), SPATA22 (spermatogenesis associated 22; minus strand). Cytogenetic location: 17p13.2.
Variant type: Indel.
Coding change: c.19_20delinsTGTATA on transcript NM_000049.4 (MANE Select); coding-DNA positions 19 to 20, GC replaced by TGTATA.
Protein change: p.Ala7fs; shifts the reading frame from alanine 7.
Molecular consequence: frameshift variant. On other transcripts: intron variant (2).
Genome position (GRCh38, 1-based): chr17:3,476,178-3,476,179, GC replaced by TGTATA. VCF-style: chr17-3476178-GC-TGTATA. GRCh37 (hg19) VCF-style: chr17-3379472-GC-TGTATA.
Other names: c.19_20delinsTGTATA, p.Ala7fs (NM_001128085.1); c.-73-6781_-73-6780delinsTATACA (NM_001321336.2, NM_001321337.2); short protein forms A7fs.
Identifiers: ClinVar variation 5018701 (VCV005018701.2).

ClinVar aggregate classification (germline): Likely pathogenic (1 of 4 stars; one submission).

Conditions:
Spongy degeneration of central nervous system. Also called: ACY2 DEFICIENCY; AMINOACYLASE 2 DEFICIENCY; ASP DEFICIENCY; ASPA DEFICIENCY; ASPARTOACYLASE DEFICIENCY; CANAVAN-VAN BOGAERT-BERTRAND DISEASE. Identifiers: Orphanet 141, MedGen C0206307, MONDO:0010079, OMIM 271900.

Submission:

Juno Genomics, Hangzhou Juno Genomics, Inc
Classification: Likely pathogenic for Spongy degeneration of central nervous system. Review status: criteria provided, single submitter. Criteria: ACMG Guidelines, 2015. Collection method: clinical testing. Allele origin: germline.
Comment: Absent from controls (or at extremely low frequency if recessive) in Genome Aggregation Database.;Null variant in a gene where loss of function (LOF) is a known mechanism of disease.